The following is an entry in ClinVar:

NC_012920.1(MT-TW):m.5550C>T

Gene: MT-TW (mitochondrially encoded tRNA tryptophan; plus strand).
Variant type: single nucleotide variant.
Genome position: chrM-5550-C-T.
Identifiers: ClinVar variation 689937 (VCV000689937.1), dbSNP rs1603220019, ClinGen allele CA913179831.

ClinVar aggregate classification (germline): Uncertain significance (1 of 4 stars; one submission).

Conditions:
MELAS syndrome (MELAS). Also called: Juvenile myopathy, encephalopathy, lactic acidosis, stroke. Identifiers: Orphanet 550, MedGen C0162671, MONDO:0010789, OMIM 540000.

Submission:

Wong Mito Lab, Molecular and Human Genetics, Baylor College of Medicine
Classification: Uncertain significance for MELAS syndrome. Last evaluated: 2019-07-12. Review status: criteria provided, single submitter. Criteria: Modified ACMG Guidelines (Unpublished). Collection method: clinical testing. Allele origin: germline.
Comment: The NC_012920.1:m.5550C>T variant in MT-TW gene is interpreted to be a Unknown Significance variant based on the modified ACMG guidelines (unpublished). This variant meets the following evidence codes reported in the guidelines: PM7, PP6, PP7

Literature cited by the submitters: PubMed 31965079.